The following is an entry in ClinVar:

ClinVar aggregate classification (germline): Conflicting classifications of pathogenicity. Review status: criteria provided, conflicting classifications (1 of 4 stars). 4 submissions from 4 submitters: Uncertain significance (3); Likely benign (1). Last evaluated 2025-09-22.

Conditions:
Hereditary cancer-predisposing syndrome. Also called: Hereditary neoplastic syndrome; Tumor predisposition; Neoplastic Syndromes, Hereditary; Hereditary Cancer Syndrome. Identifiers: Orphanet 140162, MedGen C0027672, MeSH D009386, MONDO:0015356.
Multiple endocrine neoplasia, type 2 (MEN2). Identifiers: Orphanet 653, MedGen C4048306, MONDO:0019003. Disease mechanism: gain of function.

gnomAD v4.1: 2 of 1,614,016 alleles (0.00012%); highest among the groups gnomAD compares: Non-Finnish European, 0.00017%; no homozygotes.

Submissions (4):

Color Diagnostics, LLC DBA Color Health
Classification: Uncertain significance for Multiple endocrine neoplasia, type 2. Last evaluated: 2025-09-22. Review status: criteria provided, single submitter. Criteria: ACMG Guidelines, 2015. Collection method: clinical testing. Allele origin: germline.
Comment: This missense variant replaces valine with leucine at codon 486 of the RET protein. Computational prediction suggests that this variant may not impact protein structure and function. To our knowledge, functional studies have not been reported for this variant. This variant has not been reported in individuals affected with RET-related disorders in the literature. This variant has not been identified in the general population by the Genome Aggregation Database (gnomAD). The available evidence is insufficient to determine the role of this variant in disease conclusively. Therefore, this variant is classified as a Variant of Uncertain Significance.

Ambry Genetics
Classification: Likely benign for Hereditary cancer-predisposing syndrome. Last evaluated: 2025-04-16. Review status: criteria provided, single submitter. Criteria: Ambry Variant Classification Scheme 2023. Collection method: clinical testing. Allele origin: germline.

GeneDx
Classification: Uncertain significance. Last evaluated: 2023-07-25. Review status: criteria provided, single submitter. Criteria: GeneDx Variant Classification Process June 2021. Collection method: clinical testing. Allele origin: germline. Affected: yes.
Comment: Not observed at significant frequency in large population cohorts (gnomAD); In silico analysis supports that this missense variant does not alter protein structure/function; Has not been previously published as pathogenic or benign to our knowledge

Labcorp Genetics (formerly Invitae), Labcorp
Classification: Uncertain significance for Multiple endocrine neoplasia, type 2. Last evaluated: 2018-11-29. Review status: criteria provided, single submitter. Criteria: Invitae Variant Classification Sherloc (09022015). Collection method: clinical testing. Allele origin: germline.
Comment: This sequence change replaces valine with leucine at codon 486 of the RET protein (p.Val486Leu). The valine residue is moderately conserved and there is a small physicochemical difference between valine and leucine. This variant is not present in population databases (ExAC no frequency). This variant has not been reported in the literature in individuals with RET-related conditions. Algorithms developed to predict the effect of missense changes on protein structure and function output the following: SIFT: "Tolerated"; PolyPhen-2: "Benign"; Align-GVGD: "Class C0". The leucine amino acid residue is found in multiple mammalian species, suggesting that this missense change does not adversely affect protein function. These predictions have not been confirmed by published functional studies and their clinical significance is uncertain. In summary, the available evidence is currently insufficient to determine the role of this variant in disease. Therefore, it has been classified as a Variant of Uncertain Significance.

NM_020975.6(RET):c.1456G>T (p.Val486Leu)

Gene: RET (ret proto-oncogene; plus strand). Cytogenetic location: 10q11.21.
Variant type: single nucleotide variant.
Coding change: c.1456G>T on transcript NM_020975.6 (MANE Select); coding-DNA position 1456, G replaced by T.
Protein change: p.Val486Leu; replaces valine 486 with leucine.
Molecular consequence: missense variant.
Genome position (GRCh38, 1-based): chr10:43,111,399, G>T. VCF-style: chr10-43111399-G-T. GRCh37 (hg19) VCF-style: chr10-43606847-G-T.
Other names: c.1456G>T, p.Val486Leu (NM_000323.2, NM_001406743.1, NM_001406744.1 and 6 more transcripts); c.694G>T, p.Val232Leu (NM_001355216.2); c.1327G>T, p.Val443Leu (NM_001406761.1, NM_001406762.1, NM_001406764.1 and 1 more transcripts); c.1168G>T, p.Val390Leu (NM_001406766.1, NM_001406767.1, NM_001406770.1); c.1060G>T, p.Val354Leu (NM_001406769.1, NM_001406772.1); c.1018G>T, p.Val340Leu (NM_001406771.1, NM_001406773.1); c.931G>T, p.Val311Leu (NM_001406774.1); c.730G>T, p.Val244Leu (NM_001406775.1, NM_001406776.1, NM_001406777.1 and 1 more transcripts); and 1 more; short protein forms V232L, V486L, V354L, V156L, V244L, V390L, V443L, V311L.
Identifiers: ClinVar variation 656087 (VCV000656087.14), dbSNP rs1588871361, ClinGen allele CA376549719.
Genomic context (GRCh38, chr10:43,111,399, plus strand): 5'-TTTGTGAATGACACCAAGGCCCTGCGGCGGCCCAAGTGTGCCGAACTTCACTACATGGTG[G>T]TGGCCACCGACCAGCAGACCTCTAGGCAGGCCCAGGCCCAGCTGCTTGTAACAGTGGAGG-3'
Protein context (NP_066124.1, residues 476-496): PKCAELHYMV[Val486Leu]ATDQQTSRQA